The following is an entry in ClinVar:

NM_005002.5(NDUFA9):c.552+1_552+5del

Gene: NDUFA9 (NADH:ubiquinone oxidoreductase subunit A9; plus strand). Cytogenetic location: 12p13.32.
Variant type: Deletion.
Coding change: c.552+1_552+5del on transcript NM_005002.5 (MANE Select); the canonical splice donor site of the intron after coding-DNA position 552 through 5 bases into the intron after coding-DNA position 552, 5 bases deleted (GTAAG; older notation c.552+1_552+5delGTAAG).
Molecular consequence: splice donor variant.
Genome position (GRCh38, 1-based): chr12:4,659,178-4,659,182, GTAAG deleted; deleting any 5 consecutive bases within chr12:4,659,174-4,659,182 gives the same sequence; the c. name uses the placement nearest the transcript's 3' end. VCF-style (leftmost placement, unchanged base first): chr12-4659173-ATAAGG-A. GRCh37 (hg19) VCF-style: chr12-4768339-ATAAGG-A.
Other names: c.552+1_552+5delGTAAG (NM_005002.5).
Identifiers: ClinVar variation 3895836 (VCV003895836.1).
Genomic context (GRCh38, chr12:4,659,173, plus strand): 5'-AATTCATTCATGTTTCACATCTGAATGCGAATATTAAAAGCTCTTCTAGATATTTGAGAA[ATAAGG>A]TAAGTAACAAATTGATCTGGGAAGTGGTTCACAGAGCCAGAGTTTCTTGGGCCATTTGAA-3'

ClinVar aggregate classification (germline): Likely pathogenic (1 of 4 stars; one submission).

Conditions:
Mitochondrial complex I deficiency, nuclear type 26. Also called: Mitochondrial complex 1 deficiency, nuclear type 26. Identifiers: MedGen C4748809, MONDO:0032630, OMIM 618247.

Submission:

Women's Health and Genetics/Laboratory Corporation of America, LabCorp
Classification: Likely pathogenic for Mitochondrial complex I deficiency, nuclear type 26. Last evaluated: 2025-03-05. Review status: criteria provided, single submitter. Criteria: LabCorp Variant Classification Summary - May 2015. Collection method: clinical testing. Allele origin: germline.
Comment: Variant summary: NDUFA9 c.552+1_552+5delGTAAG is located in a canonical splice-site and is predicted to affect mRNA splicing resulting in a significantly altered protein due to either exon skipping, shortening, or inclusion of intronic material. Variants that disrupt the consensus splice site are a relatively common cause of aberrant splicing and loss of NDUFA9 function. Several computational tools predict a significant impact on normal splicing: Four predict the variant abolishes a 5' splicing donor site. However, these predictions have yet to be confirmed by functional studies. The variant allele was found at a frequency of 4e-06 in 249586 control chromosomes. To our knowledge, no occurrence of c.552+1_552+5delGTAAG in individuals affected with Mitochondrial Complex 1 Deficiency, Nuclear Type 26 and no experimental evidence demonstrating its impact on protein function have been reported. No submitters have cited clinical-significance assessments for this variant to ClinVar. Based on the evidence outlined above, the variant was classified as likely pathogenic.